The following is an entry in ClinVar:

NM_078480.3(PUF60):c.1410G>A (p.Val470=)

Gene: PUF60 (poly(U) binding splicing factor 60; minus strand). Cytogenetic location: 8q24.3.
Variant type: single nucleotide variant.
Coding change: c.1410G>A on transcript NM_078480.3 (MANE Select); coding-DNA position 1410, G replaced by A.
Protein change: p.Val470=; no amino-acid change (valine 470 retained).
Molecular consequence: synonymous variant.
Genome position (GRCh38, 1-based): chr8:143,816,790, C>T on the plus strand (G>A on the coding strand, the complement: PUF60 is on the minus strand). VCF-style: chr8-143816790-C-T. GRCh37 (hg19) VCF-style: chr8-144898960-C-T.
Other names: c.1281G>A, p.Val427= (NM_001136033.3); c.1356G>A, p.Val452= (NM_001271096.2); c.1272G>A, p.Val424= (NM_001271097.2); c.1407G>A, p.Val469= (NM_001271098.2); c.1323G>A, p.Val441= (NM_001271099.2); c.1230G>A, p.Val410= (NM_001271100.2); c.1521G>A, p.Val507= (NM_001362895.2, NM_001362896.2); c.1470G>A, p.Val490= (NM_001362897.2); and 1 more.
Identifiers: ClinVar variation 3030123 (VCV003030123.2), dbSNP rs773922192, ClinGen allele CA187615625.

ClinVar aggregate classification (germline): Likely benign (0 of 4 stars; one submission).

Conditions:
PUF60-related disorder. Also called: PUF60-related condition.

Allele frequency attached by ClinVar (database versions not stated): gnomAD exomes 0.00001; TOPMed 0.00002; ExAC 0.00003; gnomAD 0.00001.
gnomAD v4.1: 17 of 1,613,392 alleles (0.0011%); highest among the groups gnomAD compares: Non-Finnish European, 0.0014%; no homozygotes.

Submission:

PreventionGenetics, part of Exact Sciences
Classification: Likely benign for PUF60-related condition. Last evaluated: 2022-12-21. Review status: no assertion criteria provided. Collection method: clinical testing. Allele origin: germline.
Comment: This variant is classified as likely benign based on ACMG/AMP sequence variant interpretation guidelines (Richards et al. 2015 PMID: 25741868, with internal and published modifications).